The following is an entry in ClinVar:

ClinVar aggregate classification (germline): Conflicting classifications of pathogenicity. Review status: criteria provided, conflicting classifications (1 of 4 stars). 10 submissions from 10 submitters: Uncertain significance (4); Likely benign (4). 2 of the submissions do not count toward it. Last evaluated 2026-04-08.

Conditions:
Cardiovascular phenotype. Identifiers: MedGen CN230736.
Episodic pain syndrome, familial, 2 (FEPS2). Identifiers: Orphanet 306577, MedGen C3809893, MONDO:0014246, OMIM 615551.
SCN10A-related disorder. Also called: SCN10A-related condition.
Brugada syndrome. Also called: Sudden unexplained nocturnal death syndrome; Sudden unexpected nocturnal death syndrome; Sudden Unexplained Death Syndrome; Sudden Unexplained Nocturnal Death Syndrome (SUNDS). Identifiers: Orphanet 130, MedGen C1142166, MONDO:0015263.

Allele frequency attached by ClinVar (database versions not stated): ExAC 0.00021; gnomAD exomes 0.00023 and 0.00041; ESP Exome Variant Server 0.00031; gnomAD 0.00031 and 0.00033; TOPMed 0.00035; 1000 Genomes Project 0.00040; 1000 Genomes Project 30x 0.00047.
gnomAD v4.1: 641 of 1,613,904 alleles (0.04%); highest among the groups gnomAD compares: Middle Eastern, 0.049%; no homozygotes.

Submissions (10):

PreventionGenetics, part of Exact Sciences
Classification: Likely benign for SCN10A-related condition. Last evaluated: 2026-04-08. Review status: criteria provided, single submitter. Criteria: ACMG Guidelines, 2015. Collection method: clinical testing. Allele origin: germline.
Comment: This variant is classified as likely benign based on ACMG/AMP sequence variant interpretation guidelines (Richards et al. 2015 PMID: 25741868, with internal and published modifications).

Labcorp Genetics (formerly Invitae), Labcorp
Classification: Likely benign for Brugada syndrome. Last evaluated: 2026-02-03. Review status: criteria provided, single submitter. Criteria: Invitae Variant Classification Sherloc (09022015). Collection method: clinical testing. Allele origin: germline.

Women's Health and Genetics/Laboratory Corporation of America, LabCorp
Classification: Likely benign. Last evaluated: 2025-02-18. Review status: criteria provided, single submitter. Criteria: LabCorp Variant Classification Summary - May 2015. Collection method: clinical testing. Allele origin: germline.
Comment: Variant summary: SCN10A c.905G>A (p.Arg302Gln) results in a conservative amino acid change located in the ion transport domain (IPR005821) of the encoded protein sequence. Five of five in-silico tools predict a benign effect of the variant on protein function. The variant allele was found at a frequency of 0.0004 in 1613904 control chromosomes, predominantly at a frequency of 0.00047 within the Non-Finnish European subpopulation in the gnomAD database. The observed variant frequency within Non-Finnish European control individuals in the gnomAD database is approximately 75 fold of the estimated maximal expected allele frequency for a pathogenic variant in SCN10A causing Arrhythmia phenotype (6.3e-06). c.905G>A has been reported in the literature (Le Scouarnec_2015). However, this report does not provide unequivocal conclusions about association of the variant with Arrhythmia. To our knowledge, no experimental evidence demonstrating an impact on protein function has been reported. The following publication has been ascertained in the context of this evaluation (PMID: 25650408). ClinVar contains an entry for this variant (Variation ID: 376797). Based on the evidence outlined above, the variant was classified as likely benign.

GeneDx
Classification: Uncertain significance. Last evaluated: 2023-11-22. Review status: criteria provided, single submitter. Criteria: GeneDx Variant Classification Process June 2021. Collection method: clinical testing. Allele origin: germline. Affected: yes.
Comment: In silico analysis supports that this missense variant does not alter protein structure/function; Has not been previously published as pathogenic or benign to our knowledge

Ambry Genetics
Classification: Likely benign for Cardiovascular phenotype. Last evaluated: 2022-04-08. Review status: criteria provided, single submitter. Criteria: Ambry Variant Classification Scheme 2023. Collection method: clinical testing. Allele origin: germline.

CeGaT Center for Human Genetics Tuebingen
Classification: Uncertain significance. Last evaluated: 2020-02-01. Review status: criteria provided, single submitter. Criteria: CeGaT Center For Human Genetics Tuebingen Variant Classification Criteria Version 2. Collection method: clinical testing. Allele origin: germline. Affected: yes. Observed: 1 variant allele.

Fulgent Genetics
Classification: Uncertain significance for Episodic pain syndrome, familial, 2. Last evaluated: 2018-10-31. Review status: criteria provided, single submitter. Criteria: ACMG Guidelines, 2015. Collection method: clinical testing. Allele origin: unknown.

Center for Pediatric Genomic Medicine, Children's Mercy Hospital and Clinics
Classification: Uncertain significance. Last evaluated: 2017-01-05. Review status: criteria provided, single submitter. Criteria: ACMG Guidelines, 2015. Collection method: clinical testing. Allele origin: germline.
ClinVar note: Converted during submission from Uncertain Significance to Uncertain significance.

Clinical Genetics, Academic Medical Center
Classification: Likely benign. Review status: no assertion criteria provided. Collection method: clinical testing. Allele origin: germline. Affected: yes. Study: VKGL Data-share Consensus. Not counted in ClinVar's aggregate classification.

Joint Genome Diagnostic Labs from Nijmegen and Maastricht, Radboudumc and MUMC+
Classification: Likely benign. Review status: no assertion criteria provided. Collection method: clinical testing. Allele origin: germline. Affected: yes. Study: VKGL Data-share Consensus. Not counted in ClinVar's aggregate classification.

Literature cited by the submitters: PubMed 25650408 (cited by Women's Health and Genetics/Laboratory Corporation of America, LabCorp).

NM_006514.4(SCN10A):c.905G>A (p.Arg302Gln)

Gene: SCN10A (sodium voltage-gated channel alpha subunit 10; minus strand). Cytogenetic location: 3p22.2.
Variant type: single nucleotide variant.
Coding change: c.905G>A on transcript NM_006514.4 (MANE Select); coding-DNA position 905, G replaced by A.
Protein change: p.Arg302Gln; replaces arginine 302 with glutamine.
Molecular consequence: missense variant.
Genome position (GRCh38, 1-based): chr3:38,760,726, C>T on the plus strand (G>A on the coding strand, the complement: SCN10A is on the minus strand). VCF-style: chr3-38760726-C-T. GRCh37 (hg19) VCF-style: chr3-38802217-C-T.
Other names: c.905G>A, p.Arg302Gln (NM_001293306.2, NM_001293307.2); short protein forms R302Q.
Identifiers: ClinVar variation 376797 (VCV000376797.63), dbSNP rs201955990, ClinGen allele CA2321030.